The following is an entry in ClinVar:

ClinVar aggregate classification (germline): Benign (0 of 4 stars; one submission).

Conditions:
GATB-related disorder. Also called: GATB-related condition.

Submission:

PreventionGenetics, part of Exact Sciences
Classification: Benign for GATB-related condition. Last evaluated: 2019-11-04. Review status: no assertion criteria provided. Collection method: clinical testing. Allele origin: germline.
Comment: This variant is classified as benign based on ACMG/AMP sequence variant interpretation guidelines (Richards et al. 2015 PMID: 25741868, with internal and published modifications).

NM_004564.3(GATB):c.1198-7_1198-6del

Gene: GATB (glutamyl-tRNA amidotransferase subunit B; minus strand). Cytogenetic location: 4q31.3.
Variant type: Deletion.
Coding change: c.1198-7_1198-6del on transcript NM_004564.3 (MANE Select); 7 bases into the intron before coding-DNA position 1198 through 6 bases into the intron before coding-DNA position 1198, 2 bases deleted (TT; older notation c.1198-7_1198-6delTT).
Molecular consequence: intron variant.
Genome position (GRCh38, 1-based): chr4:151,688,769-151,688,770, AA deleted on the plus strand (TT on the coding strand, the reverse complement: GATB is on the minus strand); deleting any 2 consecutive bases within chr4:151,688,769-151,688,781 gives the same sequence; the c. name uses the placement nearest the transcript's 3' end. VCF-style (leftmost placement, unchanged base first): chr4-151688768-TAA-T. GRCh37 (hg19) VCF-style: chr4-152609920-TAA-T.
Other names: c.1198-7_1198-6del (NM_001363341.2).
Identifiers: ClinVar variation 3056163 (VCV003056163.2), dbSNP rs11292952, ClinGen allele CA3105653.